The following is an entry in ClinVar:

ClinVar aggregate classification (germline): Likely pathogenic (1 of 4 stars; one submission).

Submission:

Labcorp Genetics (formerly Invitae), Labcorp
Classification: Likely pathogenic. Last evaluated: 2019-07-22. Review status: criteria provided, single submitter. Criteria: Invitae Variant Classification Sherloc (09022015). Collection method: clinical testing. Allele origin: germline.
Comment: In summary, the currently available evidence indicates that the variant is pathogenic, but additional data are needed to prove that conclusively. Therefore, this variant has been classified as Likely Pathogenic. Loss-of-function variants in PHEX are known to be pathogenic (PMID: 9097956, 9106524, 19219621). This variant results in a copy number gain of the genomic region encompassing exons 4-14 of the PHEX gene. While the exact position of this variant cannot be determined from this data, sub-genic copy number gains are generally in tandem (PMID: 25640679) and may result in an absent or disrupted protein product.

Literature cited by the submitters: PubMed 9097956; PubMed 9106524; PubMed 19219621; PubMed 25640679.

NC_000023.10:g.(?_22094506)_(22196493_?)dup

Gene: PHEX (phosphate regulating endopeptidase X-linked; plus strand). Cytogenetic location: Xp22.11.
Variant type: Duplication.
Identifiers: ClinVar variation 832852 (VCV000832852.7).